The following is an entry in ClinVar:

ClinVar aggregate classification (germline): Uncertain significance (1 of 4 stars; one submission).

Conditions:
Myofibrillar myopathy 3 (MFM3). Also called: Autosomal dominant spheroid body myopathy; Muscular dystrophy, proximal, type 1A. Identifiers: Orphanet 266, Orphanet 268129, MedGen C3714934, MONDO:0012215, OMIM 609200.

Submission:

Labcorp Genetics (formerly Invitae), Labcorp
Classification: Uncertain significance for Myofibrillar myopathy 3. Last evaluated: 2025-12-22. Review status: criteria provided, single submitter. Criteria: Invitae Variant Classification Sherloc (09022015). Collection method: clinical testing. Allele origin: germline.
Comment: This sequence change affects the initiator codon of the MYOT mRNA. This change may impact translation initiation or efficiency. The next in-frame methionine is located at codon 64. This variant is not present in population databases (gnomAD no frequency). This variant has not been reported in the literature in individuals affected with MYOT-related conditions. In summary, the available evidence is currently insufficient to determine the role of this variant in disease. Therefore, it has been classified as a Variant of Uncertain Significance.

NM_006790.3(MYOT):c.2T>A (p.Met1Lys)

Genes: MYOT (myotilin; plus strand), PKD2L2-DT (PKD2L2 divergent transcript; minus strand). Cytogenetic location: 5q31.2.
Variant type: single nucleotide variant.
Coding change: c.2T>A on transcript NM_006790.3 (MANE Select); coding-DNA position 2, T replaced by A.
Protein change: p.Met1Lys; changes the start codon (methionine 1).
Molecular consequence: missense variant, initiator codon variant. On other transcripts: intron variant (2).
Genome position (GRCh38, 1-based): chr5:137,870,653, T>A. VCF-style: chr5-137870653-T-A. GRCh37 (hg19) VCF-style: chr5-137206342-T-A.
Other names: c.-121+128T>A (NM_001300911.2); c.-197+128T>A (NM_001135940.2); short protein forms M1K.
Identifiers: ClinVar variation 4733862 (VCV004733862.1).